The following is an entry in ClinVar:

ClinVar aggregate classification (germline): Uncertain significance (1 of 4 stars; one submission).

Submission:

GeneDx
Classification: Uncertain significance. Last evaluated: 2020-01-30. Review status: criteria provided, single submitter. Criteria: GeneDx Variant Classification Process June 2021. Collection method: clinical testing. Allele origin: germline. Affected: yes.
Comment: Not observed in large population cohorts (Lek et al., 2016); In silico analysis, which includes protein predictors and evolutionary conservation, supports a deleterious effect; Has not been previously published as pathogenic or benign to our knowledge

NM_001272071.2(AP1S2):c.44T>G (p.Leu15Arg)

Gene: AP1S2 (adaptor related protein complex 1 subunit sigma 2; minus strand). Cytogenetic location: Xp22.2.
Variant type: single nucleotide variant.
Coding change: c.44T>G on transcript NM_001272071.2 (MANE Select); coding-DNA position 44, T replaced by G.
Protein change: p.Leu15Arg; replaces leucine 15 with arginine.
Molecular consequence: missense variant. On other transcripts: non-coding transcript variant (2).
Genome position (GRCh38, 1-based): chrX:15,852,481, A>C on the plus strand (T>G on the coding strand, the complement: AP1S2 is on the minus strand). VCF-style: chrX-15852481-A-C. GRCh37 (hg19) VCF-style: chrX-15870604-A-C.
Other names: c.44T>G, p.Leu15Arg (NM_001368994.1, NM_001369007.1, NM_001369008.1 and 1 more transcripts); short protein forms L15R.
Identifiers: ClinVar variation 1302899 (VCV001302899.2), dbSNP rs2147328169, ClinGen allele CA412459498.